The following is an entry in ClinVar:

NM_006031.6(PCNT):c.139G>C (p.Asp47His)

Genes: PCNT (pericentrin; plus strand), LOC128092249 (uncharacterized LOC128092249; plus strand). Cytogenetic location: 21q22.3.
Variant type: single nucleotide variant.
Coding change: c.139G>C on transcript NM_006031.6 (MANE Select); coding-DNA position 139, G replaced by C.
Protein change: p.Asp47His; replaces aspartic acid 47 with histidine.
Molecular consequence: missense variant. On other transcripts: 5 prime UTR variant (1).
Genome position (GRCh38, 1-based): chr21:46,326,461, G>C. VCF-style: chr21-46326461-G-C. GRCh37 (hg19) VCF-style: chr21-47746375-G-C.
Other names: c.-216G>C (NM_001315529.2); short protein forms D47H.
Identifiers: ClinVar variation 436172 (VCV000436172.13), dbSNP rs112837071, ClinGen allele CA10078149.

ClinVar aggregate classification (germline): Conflicting classifications of pathogenicity. Review status: criteria provided, conflicting classifications (1 of 4 stars). 6 submissions from 6 submitters: Uncertain significance (5); Likely benign (1). Last evaluated 2025-07-09.

Conditions:
Inborn genetic diseases. Identifiers: MedGen C0950123, MeSH D030342.
Microcephalic osteodysplastic primordial dwarfism type II (MOPD2). Also called: Microcephalic osteodysplastic primordial dwarfism with tooth abnormalities; MOPD II; OSTEODYSPLASTIC PRIMORDIAL DWARFISM, TYPE II. Identifiers: Orphanet 2637, MedGen C0432246, MONDO:0008872, OMIM 210720.

Allele frequency attached by ClinVar (database versions not stated): gnomAD 0.00003; gnomAD exomes 0.00005; ExAC 0.00010; TOPMed 0.00012; ESP Exome Variant Server 0.00015; 1000 Genomes Project 30x 0.00062; 1000 Genomes Project 0.00080.
gnomAD v4.1: 108 of 1,614,222 alleles (0.0067%); highest among the groups gnomAD compares: Middle Eastern, 0.26%; 2 homozygotes.

Submissions (6):

Labcorp Genetics (formerly Invitae), Labcorp
Classification: Uncertain significance. Last evaluated: 2025-07-09. Review status: criteria provided, single submitter. Criteria: Invitae Variant Classification Sherloc (09022015). Collection method: clinical testing. Allele origin: germline.
Comment: This sequence change replaces aspartic acid, which is acidic and polar, with histidine, which is basic and polar, at codon 47 of the PCNT protein (p.Asp47His). This variant is present in population databases (rs112837071, gnomAD 0.02%). This variant has not been reported in the literature in individuals affected with PCNT-related conditions. ClinVar contains an entry for this variant (Variation ID: 436172). An algorithm developed to predict the effect of missense changes on protein structure and function outputs the following: PolyPhen-2: "Benign". The histidine amino acid residue is found in multiple mammalian species, which suggests that this missense change does not adversely affect protein function. In summary, the available evidence is currently insufficient to determine the role of this variant in disease. Therefore, it has been classified as a Variant of Uncertain Significance.

Blueprint Genetics
Classification: Likely benign. Last evaluated: 2024-11-19. Review status: criteria provided, single submitter. Criteria: ACMG Guidelines, 2015. Collection method: clinical testing. Allele origin: germline.

Ambry Genetics
Classification: Uncertain significance for Inborn genetic diseases. Last evaluated: 2021-08-30. Review status: criteria provided, single submitter. Criteria: Ambry Variant Classification Scheme 2023. Collection method: clinical testing. Allele origin: germline.

Fulgent Genetics
Classification: Uncertain significance for Microcephalic osteodysplastic primordial dwarfism type II. Last evaluated: 2021-08-04. Review status: criteria provided, single submitter. Criteria: ACMG Guidelines, 2015. Collection method: clinical testing. Allele origin: unknown.

Genetic Services Laboratory, University of Chicago
Classification: Uncertain significance. Last evaluated: 2016-08-08. Review status: criteria provided, single submitter. Criteria: ACMG Guidelines, 2015. Collection method: clinical testing. Allele origin: germline. Affected: no.

Breakthrough Genomics
Classification: Uncertain significance. Review status: criteria provided, single submitter. Criteria: ACMG Guidelines, 2015. Collection method: not provided. Allele origin: germline. Inheritance: Autosomal dominant inheritance. Affected: yes.